The following is an entry in ClinVar:

ClinVar aggregate classification (germline): Uncertain significance (1 of 4 stars; one submission).

Conditions:
Inborn genetic diseases. Identifiers: MedGen C0950123, MeSH D030342.

gnomAD v4.1: 1 of 1,608,104 alleles (0.000062%); no homozygotes.

Submission:

Ambry Genetics
Classification: Uncertain significance for Inborn genetic diseases. Last evaluated: 2024-02-22. Review status: criteria provided, single submitter. Criteria: Ambry Variant Classification Scheme 2023. Collection method: clinical testing. Allele origin: germline.
Comment: The p.A127G variant (also known as c.380C>G), located in coding exon 4 of the LRRK2 gene, results from a C to G substitution at nucleotide position 380. The alanine at codon 127 is replaced by glycine, an amino acid with similar properties. This amino acid position is conserved. In addition, this alteration is predicted to be tolerated by in silico analysis. Based on the available evidence, the clinical significance of this alteration remains unclear.

NM_198578.4(LRRK2):c.380C>G (p.Ala127Gly)

Gene: LRRK2 (leucine rich repeat kinase 2; plus strand). Cytogenetic location: 12q12.
Variant type: single nucleotide variant.
Coding change: c.380C>G on transcript NM_198578.4 (MANE Select); coding-DNA position 380, C replaced by G.
Protein change: p.Ala127Gly; replaces alanine 127 with glycine.
Molecular consequence: missense variant.
Genome position (GRCh38, 1-based): chr12:40,235,658, C>G. VCF-style: chr12-40235658-C-G. GRCh37 (hg19) VCF-style: chr12-40629460-C-G.
Other names: short protein forms A127G.
Identifiers: ClinVar variation 3229631 (VCV003229631.1), dbSNP rs2499403080, ClinGen allele CA384402773.
Genomic context (GRCh38, chr12:40,235,658, plus strand): 5'-TTATCTTGATTTCTGTTTTTAACTCCAGATTGATTCTTAAAATGCTAACAGTTCATAATG[C>G]CAGTGTAAACTTGTCAGTGATTGGACTGAAGACCTTAGATCTCCTCCTAACTTCAGGTAA-3'
Protein context (NP_940980.4, residues 117-137): LILKMLTVHN[Ala127Gly]SVNLSVIGLK